The following is an entry in ClinVar:

ClinVar aggregate classification (germline): Conflicting classifications of pathogenicity. Review status: criteria provided, conflicting classifications (1 of 4 stars). 3 submissions from 3 submitters: Uncertain significance (2); Likely benign (1). Last evaluated 2025-08-11.

Allele frequency attached by ClinVar (database versions not stated): ExAC 0.00001; gnomAD exomes 0.00001; TOPMed 0.00002; gnomAD 0.00005.
gnomAD v4.1: 37 of 1,613,362 alleles (0.0023%); highest among the groups gnomAD compares: African/African-American, 0.013%; no homozygotes.

Submissions (3):

Labcorp Genetics (formerly Invitae), Labcorp
Classification: Likely benign. Last evaluated: 2025-08-11. Review status: criteria provided, single submitter. Criteria: Invitae Variant Classification Sherloc (09022015). Collection method: clinical testing. Allele origin: germline.

ARUP Laboratories, Molecular Genetics and Genomics, ARUP Laboratories
Classification: Uncertain significance. Last evaluated: 2024-03-21. Review status: criteria provided, single submitter. Criteria: ARUP Molecular Germline Variant Investigation Process 2024. Collection method: clinical testing. Allele origin: germline.
Comment: The NOTCH3 c.1973T>C; p.Ile658Thr variant (rs779379912), to our knowledge, is not reported in the medical literature but is reported in ClinVar (Variation ID: 2183713). This variant is found in the general population with an overall allele frequency of 0.003% (7/282,072 alleles) in the Genome Aggregation Database (v2.1.1). Computational analyses predict that this variant is deleterious (REVEL: 0.827). Most pathogenic NOTCH3 variants occur in exons 2-24 and either create or destroy a cysteine residue within an EGF-like domain (Rutten 2014). However, there are several amino acid substitutions not involving cysteine that may be disease-associated (Muino 2017). Although p.Ile658Thr does not involve a cysteine residue, due to limited information the clinical significance of this variant is uncertain at this time. References: Muino E et al. Systematic Review of Cysteine-Sparing NOTCH3 Missense Mutations in Patients with Clinical Suspicion of CADASIL. Int J Mol Sci. 2017 Sep 13;18(9). pii: E1964. PMID: 28902129.

Athena Diagnostics
Classification: Uncertain significance. Last evaluated: 2024-01-05. Review status: criteria provided, single submitter. Criteria: Athena Diagnostics Criteria. Collection method: clinical testing. Allele origin: unknown.
Comment: Available data are insufficient to determine the clinical significance of the variant at this time. The frequency of this variant in the general population is uninformative in assessment of its pathogenicity. Computational tools predict that this variant is damaging. Greater than 90% of NOTCH3 pathogenic variants associated with CADASIL involve the gain or loss of a cysteine residue within the epidermal growth factor (EGF)-like repeat domain (PMID: 32457593, 20301673).

NM_000435.3(NOTCH3):c.1973T>C (p.Ile658Thr)

Gene: NOTCH3 (notch receptor 3; minus strand). Cytogenetic location: 19p13.12.
Variant type: single nucleotide variant.
Coding change: c.1973T>C on transcript NM_000435.3 (MANE Select); coding-DNA position 1973, T replaced by C.
Protein change: p.Ile658Thr; replaces isoleucine 658 with threonine.
Molecular consequence: missense variant.
Genome position (GRCh38, 1-based): chr19:15,185,658, A>G on the plus strand (T>C on the coding strand, the complement: NOTCH3 is on the minus strand). VCF-style: chr19-15185658-A-G. GRCh37 (hg19) VCF-style: chr19-15296469-A-G.
Other names: c.1973T>C (NM_000435.2); short protein forms I658T.
Identifiers: ClinVar variation 2183713 (VCV002183713.6), dbSNP rs779379912, ClinGen allele CA9263473.